The following is an entry in ClinVar:

ClinVar aggregate classification (germline): Uncertain significance. Review status: criteria provided, multiple submitters, no conflicts (2 of 4 stars). 2 submissions from 2 submitters: Uncertain significance (2). Last evaluated 2025-08-05.

Conditions:
Inborn genetic diseases. Identifiers: MedGen C0950123, MeSH D030342.

Allele frequency attached by ClinVar (database versions not stated): ExAC 0.00002; ESP Exome Variant Server 0.00008; gnomAD 0.00010; TOPMed 0.00010.
gnomAD v4.1: 23 of 1,614,162 alleles (0.0014%); highest among the groups gnomAD compares: African/African-American, 0.031%; no homozygotes.

Submissions (2):

Ambry Genetics
Classification: Uncertain significance for Inborn genetic diseases. Last evaluated: 2025-08-05. Review status: criteria provided, single submitter. Criteria: Ambry Variant Classification Scheme 2023. Collection method: clinical testing. Allele origin: germline.

Labcorp Genetics (formerly Invitae), Labcorp
Classification: Uncertain significance for Combined immunodeficiency due to DOCK8 deficiency. Last evaluated: 2024-10-29. Review status: criteria provided, single submitter. Criteria: Invitae Variant Classification Sherloc (09022015). Collection method: clinical testing. Allele origin: germline.
Comment: This sequence change replaces glycine, which is neutral and non-polar, with arginine, which is basic and polar, at codon 190 of the DOCK8 protein (p.Gly190Arg). This variant is present in population databases (rs146771524, gnomAD 0.02%). This variant has not been reported in the literature in individuals affected with DOCK8-related conditions. ClinVar contains an entry for this variant (Variation ID: 1462969). Invitae Evidence Modeling of protein sequence and biophysical properties (such as structural, functional, and spatial information, amino acid conservation, physicochemical variation, residue mobility, and thermodynamic stability) indicates that this missense variant is not expected to disrupt DOCK8 protein function with a negative predictive value of 80%. In summary, the available evidence is currently insufficient to determine the role of this variant in disease. Therefore, it has been classified as a Variant of Uncertain Significance.

NM_203447.4(DOCK8):c.568G>A (p.Gly190Arg)

Gene: DOCK8 (dedicator of cytokinesis 8; plus strand). Cytogenetic location: 9p24.3.
Variant type: single nucleotide variant.
Coding change: c.568G>A on transcript NM_203447.4 (MANE Select); coding-DNA position 568, G replaced by A.
Protein change: p.Gly190Arg; replaces glycine 190 with arginine.
Molecular consequence: missense variant.
Genome position (GRCh38, 1-based): chr9:311,993, G>A. VCF-style: chr9-311993-G-A. GRCh37 (hg19) VCF-style: chr9-311993-G-A.
Other names: c.364G>A, p.Gly122Arg (NM_001190458.2, NM_001193536.2); c.568G>A (NM_203447.3); short protein forms G122R, G190R.
Identifiers: ClinVar variation 1462969 (VCV001462969.7), dbSNP rs146771524, ClinGen allele CA4957323.